The following is an entry in ClinVar:

NM_000152.5(GAA):c.2800-4C>G

Gene: GAA (alpha glucosidase; plus strand). Cytogenetic location: 17q25.3.
Variant type: single nucleotide variant.
Coding change: c.2800-4C>G on transcript NM_000152.5 (MANE Select); 4 bases into the intron before coding-DNA position 2800, C replaced by G.
Molecular consequence: intron variant.
Genome position (GRCh38, 1-based): chr17:80,119,268, C>G. VCF-style: chr17-80119268-C-G. GRCh37 (hg19) VCF-style: chr17-78093067-C-G.
Other names: c.2800-4C>G (NM_001406741.1, NM_001406742.1, NM_001079803.3 and 1 more transcripts).
Identifiers: ClinVar variation 4876399 (VCV004876399.1).

ClinVar aggregate classification (germline): Uncertain significance (1 of 4 stars; one submission).

Conditions:
Glycogen storage disease, type II (IOPD). Also called: Pompe Disease; CARDIOMEGALIA GLYCOGENICA DIFFUSA; GLYCOGENOSIS, GENERALIZED, CARDIAC FORM; GSD II; POMPE DISEASE, INFANTILE-ONSET; GLYCOGEN STORAGE DISEASE II, INFANTILE-ONSET. Identifiers: Orphanet 365, MedGen C0017921, MONDO:0009290, OMIM 232300.

gnomAD v4.1: 1 of 1,613,934 alleles (0.000062%); highest among the groups gnomAD compares: Non-Finnish European, 0.000085%; no homozygotes.

Submission:

Genomenon, Inc
Classification: Uncertain significance for Glycogen storage disease, type II. Last evaluated: 2026-07-01. Review status: criteria provided, single submitter. Criteria: Genomenon Sequence Variant Interpretation Standards - Updated. Collection method: curation. Allele origin: germline. Affected: yes.
Comment: GAA c.2800-4C>G is an intronic variant located in the acceptor splice region of intron 19. This variant has been observed in at least one proband with a GAA-related disorder (PMID:17573812). It is absent or not present at a significant frequency in gnomAD. In silico models predict that this variant is not damaging. In conclusion, we classify GAA c.2800-4C>G as a variant of uncertain significance.

Literature cited by the submitters: PubMed 17573812.